The following is an entry in ClinVar:

ClinVar aggregate classification (germline): Pathogenic (1 of 4 stars; one submission).

Conditions:
Hereditary diffuse gastric adenocarcinoma (HDGC). Also called: DIFFUSE GASTRIC AND LOBULAR BREAST CANCER SYNDROME. Identifiers: Orphanet 26106, MedGen C1708349, MONDO:0007648, OMIM 137215.

Submission:

Myriad Genetics, Inc.
Classification: Pathogenic for Hereditary diffuse gastric adenocarcinoma. Last evaluated: 2023-10-19. Review status: criteria provided, single submitter. Criteria: Myriad Autosomal Dominant, Autosomal Recessive and X-Linked Classification Criteria (2023). Collection method: clinical testing. Allele origin: unknown.
Comment: This variant is considered pathogenic. This variant creates a frameshift predicted to result in premature protein truncation.

NM_001903.5(CTNNA1):c.580del (p.Arg194fs)

Gene: CTNNA1 (catenin alpha 1; plus strand). Cytogenetic location: 5q31.2.
Variant type: Deletion.
Coding change: c.580del on transcript NM_001903.5 (MANE Select); coding-DNA position 580, one base deleted (A; older notation c.580delA).
Protein change: p.Arg194fs; shifts the reading frame from arginine 194.
Molecular consequence: frameshift variant.
Genome position (GRCh38, 1-based): chr5:138,812,294, A deleted; the last of 4 consecutive A bases (chr5:138,812,291-138,812,294); deleting any one gives the same sequence. VCF-style (leftmost placement, unchanged base first): chr5-138812290-CA-C. GRCh37 (hg19) VCF-style: chr5-138147979-CA-C.
Other names: c.271del, p.Arg91fs (NM_001290309.3); c.211del, p.Arg71fs (NM_001290310.3); c.580del, p.Arg194fs (NM_001323982.2, NM_001323983.1, NM_001323984.2 and 3 more transcripts); short protein forms R194fs, R71fs, R91fs.
Identifiers: ClinVar variation 2673985 (VCV002673985.1), dbSNP rs2532349572, ClinGen allele CA645557998.